The following is an entry in ClinVar:

NM_017636.4(TRPM4):c.3034G>A (p.Val1012Ile)

Gene: TRPM4 (transient receptor potential cation channel subfamily M member 4; plus strand). Cytogenetic location: 19q13.33.
Variant type: single nucleotide variant.
Coding change: c.3034G>A on transcript NM_017636.4 (MANE Select); coding-DNA position 3034, G replaced by A.
Protein change: p.Val1012Ile; replaces valine 1012 with isoleucine.
Molecular consequence: missense variant.
Genome position (GRCh38, 1-based): chr19:49,202,044, G>A. VCF-style: chr19-49202044-G-A. GRCh37 (hg19) VCF-style: chr19-49705301-G-A.
Other names: c.2599G>A, p.Val867Ile (NM_001195227.2); c.2689G>A, p.Val897Ile (NM_001321281.2); c.1426G>A, p.Val476Ile (NM_001321282.2); c.2512G>A, p.Val838Ile (NM_001321283.2); c.1972G>A, p.Val658Ile (NM_001321285.2); short protein forms V1012I, V476I, V658I, V867I, V838I, V897I.
Identifiers: ClinVar variation 536798 (VCV000536798.23), dbSNP rs182262420, ClinGen allele CA9569753.

ClinVar aggregate classification (germline): Conflicting classifications of pathogenicity. Review status: criteria provided, conflicting classifications (1 of 4 stars). 4 submissions from 4 submitters: Uncertain significance (2); Likely benign (2). Last evaluated 2026-01-19.

Conditions:
Progressive familial heart block type IB (PFHB1B). Identifiers: Orphanet 871, MedGen C1970298, MONDO:0011474, OMIM 604559.
Cardiovascular phenotype. Identifiers: MedGen CN230736.

Allele frequency attached by ClinVar (database versions not stated): gnomAD 0.00013 and 0.00017; gnomAD exomes 0.00013 and 0.00017; 1000 Genomes Project 30x 0.00016; ESP Exome Variant Server 0.00008; TOPMed 0.00009; 1000 Genomes Project 0.00020; ExAC 0.00020.
gnomAD v4.1: 220 of 1,613,986 alleles (0.014%); highest among the groups gnomAD compares: East Asian, 0.053%; no homozygotes.

Submissions (4):

Labcorp Genetics (formerly Invitae), Labcorp
Classification: Uncertain significance for Progressive familial heart block type IB. Last evaluated: 2026-01-19. Review status: criteria provided, single submitter. Criteria: Invitae Variant Classification Sherloc (09022015). Collection method: clinical testing. Allele origin: germline.
Comment: This sequence change replaces valine, which is neutral and non-polar, with isoleucine, which is neutral and non-polar, at codon 1012 of the TRPM4 protein (p.Val1012Ile). This variant is present in population databases (rs182262420, gnomAD 0.05%), and has an allele count higher than expected for a pathogenic variant. This variant has not been reported in the literature in individuals affected with TRPM4-related conditions. ClinVar contains an entry for this variant (Variation ID: 536798). An algorithm developed to predict the effect of missense changes on protein structure and function outputs the following: PolyPhen-2: "Benign". The isoleucine amino acid residue is found in multiple mammalian species, which suggests that this missense change does not adversely affect protein function. In summary, the available evidence is currently insufficient to determine the role of this variant in disease. Therefore, it has been classified as a Variant of Uncertain Significance.

Ambry Genetics
Classification: Likely benign for Cardiovascular phenotype. Last evaluated: 2025-01-28. Review status: criteria provided, single submitter. Criteria: Ambry Variant Classification Scheme 2023. Collection method: clinical testing. Allele origin: germline.

Blueprint Genetics
Classification: Likely benign. Last evaluated: 2024-09-23. Review status: criteria provided, single submitter. Criteria: ACMG Guidelines, 2015. Collection method: clinical testing. Allele origin: germline.

GeneDx
Classification: Uncertain significance. Last evaluated: 2019-07-16. Review status: criteria provided, single submitter. Criteria: GeneDx Variant Classification Process June 2021. Collection method: clinical testing. Allele origin: germline. Affected: yes.
Comment: Has not been previously published as pathogenic or benign to our knowledge; In silico analysis, which includes protein predictors and evolutionary conservation, supports that this variant does not alter protein structure/function